The following is an entry in ClinVar:

ClinVar aggregate classification (germline): Uncertain significance (1 of 4 stars; one submission).

Conditions:
Intellectual disability, autosomal recessive 53 (NEDHSCA). Also called: NEURODEVELOPMENTAL DISORDER WITH OR WITHOUT HYPOTONIA, SEIZURES, AND CEREBELLAR ATROPHY; GLYCOSYLPHOSPHATIDYLINOSITOL BIOSYNTHESIS DEFECT 13; Mental retardation, autosomal recessive 53. Identifiers: Orphanet 488635, MedGen C4310794, MONDO:0014832, OMIM 616917.

Allele frequency attached by ClinVar (database versions not stated): gnomAD 0.00003 and 0.00004; TOPMed 0.00003; gnomAD exomes 0.00007 and 0.00009; ESP Exome Variant Server 0.00008; ExAC 0.00010.
gnomAD v4.1: 128 of 1,613,696 alleles (0.0079%); highest among the groups gnomAD compares: South Asian, 0.065%; no homozygotes.

Submission:

Labcorp Genetics (formerly Invitae), Labcorp
Classification: Uncertain significance for Intellectual disability, autosomal recessive 53. Last evaluated: 2022-07-26. Review status: criteria provided, single submitter. Criteria: Invitae Variant Classification Sherloc (09022015). Collection method: clinical testing. Allele origin: germline.
Comment: This sequence change replaces arginine, which is basic and polar, with cysteine, which is neutral and slightly polar, at codon 649 of the PIGG protein (p.Arg649Cys). This variant is present in population databases (rs368124174, gnomAD 0.05%). This variant has not been reported in the literature in individuals affected with PIGG-related conditions. ClinVar contains an entry for this variant (Variation ID: 542893). Algorithms developed to predict the effect of missense changes on protein structure and function output the following: SIFT: "Tolerated"; PolyPhen-2: "Benign"; Align-GVGD: "Class C0". The cysteine amino acid residue is found in multiple mammalian species, which suggests that this missense change does not adversely affect protein function. In summary, the available evidence is currently insufficient to determine the role of this variant in disease. Therefore, it has been classified as a Variant of Uncertain Significance.

NM_001127178.3(PIGG):c.1945C>T (p.Arg649Cys)

Gene: PIGG (phosphatidylinositol glycan anchor biosynthesis class G (EMM blood group); plus strand). Cytogenetic location: 4p16.3.
Variant type: single nucleotide variant.
Coding change: c.1945C>T on transcript NM_001127178.3 (MANE Select); coding-DNA position 1945, C replaced by T.
Protein change: p.Arg649Cys; replaces arginine 649 with cysteine.
Molecular consequence: missense variant. On other transcripts: non-coding transcript variant (6).
Genome position (GRCh38, 1-based): chr4:523,789, C>T. VCF-style: chr4-523789-C-T. GRCh37 (hg19) VCF-style: chr4-517578-C-T.
Other names: c.1678C>T, p.Arg560Cys (NM_001289051.2, NM_001345986.2); c.1546C>T, p.Arg516Cys (NM_001289052.2); c.1654C>T, p.Arg552Cys (NM_001345987.2); c.916C>T, p.Arg306Cys (NM_001345988.2); c.412C>T, p.Arg138Cys (NM_001345990.2, NM_001345991.2); c.847C>T, p.Arg283Cys (NM_001345994.2); c.1921C>T, p.Arg641Cys (NM_017733.5); short protein forms R649C, R138C, R552C, R641C, R516C, R306C, R283C, R560C.
Identifiers: ClinVar variation 542893 (VCV000542893.4), dbSNP rs368124174, ClinGen allele CA2793490.
Genomic context (GRCh38, chr4:523,789, plus strand): 5'-GATGTCCTGGAGCGAGACAAAGGCCACGGAAGCCCCTCTACCTCCGAAGTGCTCAGAGGC[C>T]GCGAGAAGTGGATGGTGCTGGCCAGTCCGTGGCTAATACTGGCCTGCTGCCGGCTGCTGC-3'
Protein context (NP_001120650.1, residues 639-659): SPSTSEVLRG[Arg649Cys]EKWMVLASPW